The following is an entry in ClinVar:

ClinVar aggregate classification (germline): Uncertain significance (1 of 4 stars; one submission).

Submission:

Labcorp Genetics (formerly Invitae), Labcorp
Classification: Uncertain significance. Last evaluated: 2021-08-31. Review status: criteria provided, single submitter. Criteria: Invitae Variant Classification Sherloc (09022015). Collection method: clinical testing. Allele origin: germline.
Comment: This sequence change replaces cysteine with serine at codon 24 of the PCDH15 protein (p.Cys24Ser). The cysteine residue is weakly conserved and there is a moderate physicochemical difference between cysteine and serine. This variant is not present in population databases (ExAC no frequency). This variant has not been reported in the literature in individuals affected with PCDH15-related conditions. Algorithms developed to predict the effect of missense changes on protein structure and function output the following: SIFT: "Tolerated"; PolyPhen-2: "Benign"; Align-GVGD: "Class C0". The serine amino acid residue is found in multiple mammalian species, which suggests that this missense change does not adversely affect protein function. In summary, the available evidence is currently insufficient to determine the role of this variant in disease. Therefore, it has been classified as a Variant of Uncertain Significance.

NM_001384140.1(PCDH15):c.71G>C (p.Cys24Ser)

Gene: PCDH15 (protocadherin related 15; minus strand). Cytogenetic location: 10q21.1.
Variant type: single nucleotide variant.
Coding change: c.71G>C on transcript NM_001384140.1 (MANE Select); coding-DNA position 71, G replaced by C.
Protein change: p.Cys24Ser; replaces cysteine 24 with serine.
Molecular consequence: missense variant.
Genome position (GRCh38, 1-based): chr10:54,664,192, C>G on the plus strand (G>C on the coding strand, the complement: PCDH15 is on the minus strand). VCF-style: chr10-54664192-C-G. GRCh37 (hg19) VCF-style: chr10-56423952-C-G.
Other names: c.71G>C, p.Cys24Ser (NM_001142763.2, NM_001142764.2, NM_001142765.2 and 14 more transcripts); short protein forms C24S.
Identifiers: ClinVar variation 2418911 (VCV002418911.3), dbSNP rs2549545176, ClinGen allele CA376541902.
Genomic context (GRCh38, chr10:54,664,192, plus strand): 5'-TCCTGGCTCGCTCTAAAGGTCAAGCTAAAAGCAACCTTACCATCATCATACTGGCCCAAG[C>G]AGATTTCAAAGAGAGAGCCCAGGATGATCCCTGAAGCTAAACATGTCCAGAGATAAAACT-3'
Protein context (NP_001371069.1, residues 14-34): GIILGSLFEI[Cys24Ser]LGQYDDDCKL